The following is an entry in ClinVar:

NM_003924.4(PHOX2B):c.*18G>A

Gene: PHOX2B (paired like homeobox 2B; minus strand). Cytogenetic location: 4p13.
Variant type: single nucleotide variant.
Coding change: c.*18G>A on transcript NM_003924.4 (MANE Select); 18 bases downstream of the stop codon, G replaced by A.
Molecular consequence: 3 prime UTR variant.
Genome position (GRCh38, 1-based): chr4:41,745,789, C>T on the plus strand (G>A on the coding strand, the complement: PHOX2B is on the minus strand). VCF-style: chr4-41745789-C-T. GRCh37 (hg19) VCF-style: chr4-41747806-C-T.
Identifiers: ClinVar variation 348808 (VCV000348808.5), dbSNP rs776498322, ClinGen allele CA2901382.
Genomic context (GRCh38, chr4:41,745,789, plus strand): 5'-TACCCGCTCGCCCACTCGCCCGCCCGGGCCCTGGCTCGCCCGCTGTCGCCGCCGCCGCCG[C>T]CGCCGCAGGATTCCAGATCAGAACATACTGCTCTTCACTAAGGCGGCTTTGGCACCGTTG-3'

ClinVar aggregate classification (germline): Conflicting classifications of pathogenicity. Review status: criteria provided, conflicting classifications (1 of 4 stars). 2 submissions from 1 submitter: Uncertain significance (1); Likely benign (1). Last evaluated 2018-01-13.

Conditions:
Neuroblastoma, susceptibility to, 2. Identifiers: Orphanet 635, MedGen C2751682, MONDO:0700041, OMIM 613013.
Congenital central hypoventilation. Also called: Congenital Central Hypoventilation Syndrome. Identifiers: Orphanet 661, Orphanet 99803, MedGen C1275808, MONDO:0800031. Disease mechanism: gain of function.

Allele frequency attached by ClinVar (database versions not stated): ExAC 0.00008; TOPMed 0.00008; gnomAD 0.00010 and 0.00011; gnomAD exomes 0.00011 and 0.00016.

Submissions (2):

Illumina Laboratory Services, Illumina
Classification: Uncertain significance for Neuroblastoma, susceptibility to, 2. Last evaluated: 2018-01-13. Review status: criteria provided, single submitter. Criteria: ICSL Variant Classification Criteria 13 December 2019. Collection method: clinical testing. Allele origin: germline.

Illumina Laboratory Services, Illumina
Classification: Likely benign for Central hypoventilation syndrome, congenital, 1, with or without Hirschsprung disease. Last evaluated: 2018-01-13. Review status: criteria provided, single submitter. Criteria: ICSL Variant Classification Criteria 13 December 2019. Collection method: clinical testing. Allele origin: germline.
Comment: This variant was observed in the ICSL laboratory as part of a predisposition screen in an ostensibly healthy population. It had not been previously curated by ICSL or reported in the Human Gene Mutation Database (HGMD: prior to June 1st, 2018), and was therefore a candidate for classification through an automated scoring system. Utilizing variant allele frequency, disease prevalence and penetrance estimates, and inheritance mode, an automated score was calculated to assess if this variant is too frequent to cause the disease. Based on the score and internal cut-off values, a variant classified as likely benign is not then subjected to further curation. The score for this variant resulted in a classification of likely benign for this disease.